The following is an entry in ClinVar:

NM_007294.4(BRCA1):c.4684C>T (p.Pro1562Ser)

Gene: BRCA1 (BRCA1 DNA repair associated; minus strand). Cytogenetic location: 17q21.31.
Variant type: single nucleotide variant.
Coding change: c.4684C>T on transcript NM_007294.4 (MANE Select); coding-DNA position 4684, C replaced by T.
Protein change: p.Pro1562Ser; replaces proline 1562 with serine.
Molecular consequence: missense variant. On other transcripts: non-coding transcript variant (1).
Genome position (GRCh38, 1-based): chr17:43,071,230, G>A on the plus strand (C>T on the coding strand, the complement: BRCA1 is on the minus strand). VCF-style: chr17-43071230-G-A. GRCh37 (hg19) VCF-style: chr17-41223247-G-A.
Other names: c.4540C>T, p.Pro1514Ser (NM_001407943.1, NM_001407944.1, NM_001407945.1 and 21 more transcripts); c.4351C>T, p.Pro1451Ser (NM_001407946.1, NM_001407947.1, NM_001407948.1 and 1 more transcripts); c.4348C>T, p.Pro1450Ser (NM_001407950.1, NM_001407951.1, NM_001407952.1 and 3 more transcripts); c.4345C>T, p.Pro1449Ser (NM_001407956.1, NM_001407957.1, NM_001407958.1); c.4303C>T, p.Pro1435Ser (NM_001407959.1); c.4300C>T, p.Pro1434Ser (NM_001407960.1, NM_001407962.1); c.4297C>T, p.Pro1433Ser (NM_001407963.1); c.4222C>T, p.Pro1408Ser (NM_001407964.1); and 70 more; short protein forms P1266S, P1393S, P1408S, P1472S, P1473S, P1493S, P1515S, P1520S.
Identifiers: ClinVar variation 1742408 (VCV001742408.3), dbSNP rs2153899103, ClinGen allele CA10592140.

ClinVar aggregate classification (germline): Uncertain significance (1 of 4 stars; one submission).

Conditions:
Hereditary cancer-predisposing syndrome. Also called: Hereditary Cancer Syndrome; Hereditary neoplastic syndrome; Neoplastic Syndromes, Hereditary; Tumor predisposition. Identifiers: Orphanet 140162, MedGen C0027672, MeSH D009386, MONDO:0015356.

Submission:

Ambry Genetics
Classification: Uncertain significance for Hereditary cancer-predisposing syndrome. Last evaluated: 2024-09-30. Review status: criteria provided, single submitter. Criteria: Ambry Variant Classification Scheme 2023. Collection method: clinical testing. Allele origin: germline.
Comment: The p.P1562S variant (also known as c.4684C>T), located in coding exon 14 of the BRCA1 gene, results from a C to T substitution at nucleotide position 4684. The proline at codon 1562 is replaced by serine, an amino acid with similar properties. This amino acid position is well conserved in available vertebrate species. In addition, the in silico prediction for this alteration is inconclusive. Since supporting evidence is limited at this time, the clinical significance of this alteration remains unclear.